The following is an entry in ClinVar:

ClinVar aggregate classification (germline): Uncertain significance. Review status: criteria provided, multiple submitters, no conflicts (2 of 4 stars). 2 submissions from 2 submitters: Uncertain significance (2). Last evaluated 2025-10-26.

Conditions:
Hereditary cancer-predisposing syndrome. Also called: Hereditary neoplastic syndrome; Neoplastic Syndromes, Hereditary; Tumor predisposition; Hereditary Cancer Syndrome. Identifiers: Orphanet 140162, MedGen C0027672, MeSH D009386, MONDO:0015356.

Allele frequency attached by ClinVar (database versions not stated): gnomAD exomes below 0.00001; TOPMed 0.00001.
gnomAD v4.1: 1 of 1,613,986 alleles (0.000062%); highest among the groups gnomAD compares: Admixed American, 0.0017%; no homozygotes.

Submissions (2):

Ambry Genetics
Classification: Uncertain significance for Hereditary cancer-predisposing syndrome. Last evaluated: 2025-10-26. Review status: criteria provided, single submitter. Criteria: Ambry Variant Classification Scheme 2023. Collection method: clinical testing. Allele origin: germline.
Comment: The p.S466N variant (also known as c.1397G>A), located in coding exon 9 of the MSH3 gene, results from a G to A substitution at nucleotide position 1397. The serine at codon 466 is replaced by asparagine, an amino acid with highly similar properties. This amino acid position is highly conserved in available vertebrate species. In addition, the in silico prediction for this alteration is inconclusive. Since supporting evidence is limited at this time, the clinical significance of this alteration remains unclear.

Labcorp Genetics (formerly Invitae), Labcorp
Classification: Uncertain significance. Last evaluated: 2025-05-27. Review status: criteria provided, single submitter. Criteria: Invitae Variant Classification Sherloc (09022015). Collection method: clinical testing. Allele origin: germline.
Comment: This sequence change replaces serine, which is neutral and polar, with asparagine, which is neutral and polar, at codon 466 of the MSH3 protein (p.Ser466Asn). This variant is not present in population databases (gnomAD no frequency). This variant has not been reported in the literature in individuals affected with MSH3-related conditions. ClinVar contains an entry for this variant (Variation ID: 836084). An algorithm developed to predict the effect of missense changes on protein structure and function (PolyPhen-2) suggests that this variant is likely to be disruptive. In summary, the available evidence is currently insufficient to determine the role of this variant in disease. Therefore, it has been classified as a Variant of Uncertain Significance.

NM_002439.5(MSH3):c.1397G>A (p.Ser466Asn)

Gene: MSH3 (mutS homolog 3; plus strand). Cytogenetic location: 5q14.1.
Variant type: single nucleotide variant.
Coding change: c.1397G>A on transcript NM_002439.5 (MANE Select); coding-DNA position 1397, G replaced by A.
Protein change: p.Ser466Asn; replaces serine 466 with asparagine.
Molecular consequence: missense variant.
Genome position (GRCh38, 1-based): chr5:80,725,509, G>A. VCF-style: chr5-80725509-G-A. GRCh37 (hg19) VCF-style: chr5-80021328-G-A.
Other names: short protein forms S466N.
Identifiers: ClinVar variation 836084 (VCV000836084.13), dbSNP rs1743271448, ClinGen allele CA360273504.